The following is an entry in ClinVar:

ClinVar aggregate classification (germline): Uncertain significance (1 of 4 stars; one submission).

Allele frequency attached by ClinVar (database versions not stated): gnomAD exomes below 0.00001.

Submission:

Labcorp Genetics (formerly Invitae), Labcorp
Classification: Uncertain significance. Last evaluated: 2023-06-26. Review status: criteria provided, single submitter. Criteria: Invitae Variant Classification Sherloc (09022015). Collection method: clinical testing. Allele origin: germline.
Comment: In summary, the available evidence is currently insufficient to determine the role of this variant in disease. Therefore, it has been classified as a Variant of Uncertain Significance. Advanced modeling of protein sequence and biophysical properties (such as structural, functional, and spatial information, amino acid conservation, physicochemical variation, residue mobility, and thermodynamic stability) performed at Invitae indicates that this missense variant is not expected to disrupt GATA3 protein function. This variant has not been reported in the literature in individuals affected with GATA3-related conditions. This variant is not present in population databases (gnomAD no frequency). This sequence change replaces histidine, which is basic and polar, with arginine, which is basic and polar, at codon 400 of the GATA3 protein (p.His400Arg).

NM_001002295.2(GATA3):c.1199A>G (p.His400Arg)

Gene: GATA3 (GATA binding protein 3; plus strand). Cytogenetic location: 10p14.
Variant type: single nucleotide variant.
Coding change: c.1199A>G on transcript NM_001002295.2 (MANE Select); coding-DNA position 1199, A replaced by G.
Protein change: p.His400Arg; replaces histidine 400 with arginine.
Molecular consequence: missense variant.
Genome position (GRCh38, 1-based): chr10:8,073,887, A>G. VCF-style: chr10-8073887-A-G. GRCh37 (hg19) VCF-style: chr10-8115850-A-G.
Other names: c.1196A>G, p.His399Arg (NM_002051.3); short protein forms H399R, H400R.
Identifiers: ClinVar variation 2748851 (VCV002748851.3), dbSNP rs1248424171, ClinGen allele CA375975749.